The following is an entry in ClinVar:

ClinVar aggregate classification (germline): Likely benign. Review status: criteria provided, multiple submitters, no conflicts (2 of 4 stars). 4 submissions from 4 submitters: Likely benign (4). Last evaluated 2025-11-03.

Conditions:
Familial thoracic aortic aneurysm and aortic dissection (TAAD). Also called: Thoracic aortic aneurysms and dissections. Identifiers: Orphanet 91387, MedGen C4707243, MONDO:0019625.
Ehlers-Danlos syndrome, type 4 (EDSVASC). Also called: Ehlers-Danlos syndrome vascular type; Ehlers Danlos syndrome, ecchymotic type; Ehlers Danlos syndrome, arterial type; Ehlers Danlos syndrome, Sack-Barabas type; Ehlers-Danlos Syndrome Type IV. Identifiers: Orphanet 286, MedGen C0268338, MONDO:0017314, OMIM 130050.

Allele frequency attached by ClinVar (database versions not stated): ExAC 0.00001; gnomAD exomes 0.00002.

Submissions (4):

Labcorp Genetics (formerly Invitae), Labcorp
Classification: Likely benign for Ehlers-Danlos syndrome, type 4. Last evaluated: 2025-11-03. Review status: criteria provided, single submitter. Criteria: Invitae Variant Classification Sherloc (09022015). Collection method: clinical testing. Allele origin: germline.

All of Us Research Program, National Institutes of Health
Classification: Likely benign for Ehlers-Danlos syndrome, type 4. Last evaluated: 2024-08-30. Review status: criteria provided, single submitter. Criteria: ACMG Guidelines, 2015. Collection method: clinical testing. Allele origin: germline. Inheritance: Autosomal dominant inheritance. Observed: 4 variant alleles, 4 heterozygotes.
Comment: This study involves interpretation of variants in research participants for the purpose of population health screening. Participant phenotype was not available at the time of variant classification. Additional details can be found in publication PMID: 35346344, PMCID: PMC8962531

Ambry Genetics
Classification: Likely benign for Familial thoracic aortic aneurysm and aortic dissection. Last evaluated: 2024-05-02. Review status: criteria provided, single submitter. Criteria: Ambry Variant Classification Scheme 2023. Collection method: clinical testing. Allele origin: germline.

Color Diagnostics, LLC DBA Color Health
Classification: Likely benign for Familial thoracic aortic aneurysm and aortic dissection. Last evaluated: 2020-06-22. Review status: criteria provided, single submitter. Criteria: ACMG Guidelines, 2015. Collection method: clinical testing. Allele origin: germline.

NM_000090.4(COL3A1):c.300T>C (p.Asn100=)

Gene: COL3A1 (collagen type III alpha 1 chain; plus strand). Cytogenetic location: 2q32.2.
Variant type: single nucleotide variant.
Coding change: c.300T>C on transcript NM_000090.4 (MANE Select); coding-DNA position 300, T replaced by C.
Protein change: p.Asn100=; no amino-acid change (asparagine 100 retained).
Molecular consequence: synonymous variant.
Genome position (GRCh38, 1-based): chr2:188,985,214, T>C. VCF-style: chr2-188985214-T-C. GRCh37 (hg19) VCF-style: chr2-189849940-T-C.
Identifiers: ClinVar variation 1085082 (VCV001085082.14), dbSNP rs776373729, ClinGen allele CA075775.
Genomic context (GRCh38, chr2:188,985,214, plus strand): 5'-AAATTCTGTGTCTTGTTTAACTTGTTTCTTTTCCATTTATTAGCCTACTCGCCCTCCTAA[T>C]GGTCAAGGACCTCAAGGCCCCAAGGGAGATCCAGTAAGTAAACATTCTTCAGTAGAATAA-3'
Protein context (NP_000081.2, residues 90-110): QPPTAPTRPP[Asn100=]GQGPQGPKGD